The following is an entry in ClinVar:

NM_020806.5(GPHN):c.322G>A (p.Ala108Thr)

Gene: GPHN (gephyrin; plus strand). Cytogenetic location: 14q23.3.
Variant type: single nucleotide variant.
Coding change: c.322G>A on transcript NM_020806.5 (MANE Select); coding-DNA position 322, G replaced by A.
Protein change: p.Ala108Thr; replaces alanine 108 with threonine.
Molecular consequence: missense variant.
Genome position (GRCh38, 1-based): chr14:66,879,966, G>A. VCF-style: chr14-66879966-G-A. GRCh37 (hg19) VCF-style: chr14-67346684-G-A.
Other names: c.322G>A, p.Ala108Thr (NM_001024218.2, NM_001377515.1, NM_001377516.1 and 2 more transcripts); c.361G>A, p.Ala121Thr (NM_001377514.1, NM_001377519.1); short protein forms A121T, A108T.
Identifiers: ClinVar variation 1427621 (VCV001427621.8), dbSNP rs1047755380, ClinGen allele CA263282323.
Genomic context (GRCh38, chr14:66,879,966, plus strand): 5'-TCACTCAGTCTGCTATTTAATCTTTAATTACAGGCCACAAAAGAAGTAATAGAACGGGAA[G>A]CACCAGGGATGGCCCTGGCAATGCTGATGGGATCACTTAATGTTACACCTCTGGGCATGC-3'
Protein context (NP_065857.1, residues 98-118): EATKEVIERE[Ala108Thr]PGMALAMLMG

ClinVar aggregate classification (germline): Uncertain significance (1 of 4 stars; one submission).

Conditions:
Sulfite oxidase deficiency due to molybdenum cofactor deficiency type C. Also called: Molybdenum cofactor deficiency, complementation group C; Molybdenum cofactor deficiency C. Identifiers: Orphanet 308400, Orphanet 833, MedGen C1854990, MONDO:0014212, OMIM 615501.

Allele frequency attached by ClinVar (database versions not stated): TOPMed below 0.00001; gnomAD 0.00001.

Submission:

Labcorp Genetics (formerly Invitae), Labcorp
Classification: Uncertain significance for Sulfite oxidase deficiency due to molybdenum cofactor deficiency type C. Last evaluated: 2022-12-02. Review status: criteria provided, single submitter. Criteria: Invitae Variant Classification Sherloc (09022015). Collection method: clinical testing. Allele origin: germline.
Comment: In summary, the available evidence is currently insufficient to determine the role of this variant in disease. Therefore, it has been classified as a Variant of Uncertain Significance. Advanced modeling of protein sequence and biophysical properties (such as structural, functional, and spatial information, amino acid conservation, physicochemical variation, residue mobility, and thermodynamic stability) performed at Invitae indicates that this missense variant is not expected to disrupt GPHN protein function. ClinVar contains an entry for this variant (Variation ID: 1427621). This variant has not been reported in the literature in individuals affected with GPHN-related conditions. The frequency data for this variant in the population databases is considered unreliable, as metrics indicate poor data quality at this position in the gnomAD database. This sequence change replaces alanine, which is neutral and non-polar, with threonine, which is neutral and polar, at codon 108 of the GPHN protein (p.Ala108Thr).